The following is an entry in ClinVar:

ClinVar aggregate classification (germline): Uncertain significance (1 of 4 stars; one submission).

Allele frequency attached by ClinVar (database versions not stated): gnomAD exomes below 0.00001 and 0.00001; gnomAD 0.00001; ExAC 0.00002.
gnomAD v4.1: 5 of 1,614,098 alleles (0.00031%); highest among the groups gnomAD compares: Non-Finnish European, 0.00042%; no homozygotes.

Submission:

Labcorp Genetics (formerly Invitae), Labcorp
Classification: Uncertain significance. Last evaluated: 2021-08-24. Review status: criteria provided, single submitter. Criteria: Invitae Variant Classification Sherloc (09022015). Collection method: clinical testing. Allele origin: germline.
Comment: This sequence change replaces leucine with arginine at codon 406 of the TRAF3IP1 protein (p.Leu406Arg). The leucine residue is weakly conserved and there is a moderate physicochemical difference between leucine and arginine. This variant is present in population databases (rs748184508, ExAC 0.003%). This variant has not been reported in the literature in individuals affected with TRAF3IP1-related conditions. Algorithms developed to predict the effect of missense changes on protein structure and function are either unavailable or do not agree on the potential impact of this missense change (SIFT: "Deleterious"; PolyPhen-2: "Probably Damaging"; Align-GVGD: "Class C0"). In summary, the available evidence is currently insufficient to determine the role of this variant in disease. Therefore, it has been classified as a Variant of Uncertain Significance.

NM_015650.4(TRAF3IP1):c.1217T>G (p.Leu406Arg)

Gene: TRAF3IP1 (TRAF3 interacting protein 1; plus strand). Cytogenetic location: 2q37.3.
Variant type: single nucleotide variant.
Coding change: c.1217T>G on transcript NM_015650.4 (MANE Select); coding-DNA position 1217, T replaced by G.
Protein change: p.Leu406Arg; replaces leucine 406 with arginine.
Molecular consequence: missense variant. On other transcripts: intron variant (1).
Genome position (GRCh38, 1-based): chr2:238,344,554, T>G. VCF-style: chr2-238344554-T-G. GRCh37 (hg19) VCF-style: chr2-239253195-T-G.
Other names: c.1064-2901T>G (NM_001139490.1); short protein forms L406R.
Identifiers: ClinVar variation 1052970 (VCV001052970.6), dbSNP rs748184508, ClinGen allele CA2198321.